The following is an entry in ClinVar:

NM_000085.5(CLCNKB):c.1552T>G (p.Ser518Ala)

Genes: CLCNKB (chloride voltage-gated channel Kb; plus strand), LOC106501713 (CLCNKB recombination region; plus strand). Cytogenetic location: 1p36.13.
Variant type: single nucleotide variant.
Coding change: c.1552T>G on transcript NM_000085.5 (MANE Select); coding-DNA position 1552, T replaced by G.
Protein change: p.Ser518Ala; replaces serine 518 with alanine.
Molecular consequence: missense variant.
Genome position (GRCh38, 1-based): chr1:16,052,341, T>G. VCF-style: chr1-16052341-T-G. GRCh37 (hg19) VCF-style: chr1-16378836-T-G.
Other names: c.1045T>G, p.Ser349Ala (NM_001165945.2); short protein forms S349A, S518A.
Identifiers: ClinVar variation 2190334 (VCV002190334.2), dbSNP rs201928491, ClinGen allele CA623919.

ClinVar aggregate classification (germline): Uncertain significance (1 of 4 stars; one submission).

Allele frequency attached by ClinVar (database versions not stated): ExAC 0.00002; gnomAD exomes 0.00005.
gnomAD v4.1: 71 of 1,613,088 alleles (0.0044%); highest among the groups gnomAD compares: Non-Finnish European, 0.0058%; no homozygotes.

Submission:

Labcorp Genetics (formerly Invitae), Labcorp
Classification: Uncertain significance. Last evaluated: 2022-04-28. Review status: criteria provided, single submitter. Criteria: Invitae Variant Classification Sherloc (09022015). Collection method: clinical testing. Allele origin: germline.
Comment: This variant is present in population databases (rs201928491, gnomAD 0.003%). This sequence change replaces serine, which is neutral and polar, with alanine, which is neutral and non-polar, at codon 518 of the CLCNKB protein (p.Ser518Ala). This variant has not been reported in the literature in individuals affected with CLCNKB-related conditions. Advanced modeling of protein sequence and biophysical properties (such as structural, functional, and spatial information, amino acid conservation, physicochemical variation, residue mobility, and thermodynamic stability) performed at Invitae indicates that this missense variant is expected to disrupt CLCNKB protein function. In summary, the available evidence is currently insufficient to determine the role of this variant in disease. Therefore, it has been classified as a Variant of Uncertain Significance.